The following is an entry in ClinVar:

ClinVar aggregate classification (germline): Uncertain significance (1 of 4 stars; one submission).

gnomAD v4.1: 13 of 1,612,800 alleles (0.00081%); highest among the groups gnomAD compares: African/African-American, 0.0013%; no homozygotes.

Submission:

Labcorp Genetics (formerly Invitae), Labcorp
Classification: Uncertain significance. Last evaluated: 2024-06-05. Review status: criteria provided, single submitter. Criteria: Invitae Variant Classification Sherloc (09022015). Collection method: clinical testing. Allele origin: germline.
Comment: This sequence change replaces phenylalanine, which is neutral and non-polar, with leucine, which is neutral and non-polar, at codon 1397 of the MYO7A protein (p.Phe1397Leu). This variant is present in population databases (rs376205465, gnomAD 0.007%). This variant has not been reported in the literature in individuals affected with MYO7A-related conditions. Advanced modeling of protein sequence and biophysical properties (such as structural, functional, and spatial information, amino acid conservation, physicochemical variation, residue mobility, and thermodynamic stability) performed at Invitae indicates that this missense variant is not expected to disrupt MYO7A protein function with a negative predictive value of 95%. In summary, the available evidence is currently insufficient to determine the role of this variant in disease. Therefore, it has been classified as a Variant of Uncertain Significance.

NM_000260.4(MYO7A):c.4189T>C (p.Phe1397Leu)

Gene: MYO7A (myosin VIIA; plus strand). Cytogenetic location: 11q13.5.
Variant type: single nucleotide variant.
Coding change: c.4189T>C on transcript NM_000260.4 (MANE Select); coding-DNA position 4189, T replaced by C.
Protein change: p.Phe1397Leu; replaces phenylalanine 1397 with leucine.
Molecular consequence: missense variant.
Genome position (GRCh38, 1-based): chr11:77,194,390, T>C. VCF-style: chr11-77194390-T-C. GRCh37 (hg19) VCF-style: chr11-76905435-T-C.
Other names: c.4156T>C, p.Phe1386Leu (NM_001369365.1); c.4189T>C, p.Phe1397Leu (NM_001127180.2); short protein forms F1386L, F1397L.
Identifiers: ClinVar variation 3605907 (VCV003605907.2).
Genomic context (GRCh38, chr11:77,194,390, plus strand): 5'-TGACCGAGGCCTCCCCCCACCTAGGAGGACGACCTGGCTGAGCTGGCCTCCCAGCAGTAC[T>C]TTGTAGACTATGGCTCTGAGATGATCCTGGAGCGCCTCCTGAACCTCGTGCCCACCTACA-3'
Protein context (NP_000251.3, residues 1387-1407): DLAELASQQY[Phe1397Leu]VDYGSEMILE